The following is an entry in ClinVar:

NM_005148.4(UNC119):c.*72C>T

Gene: UNC119 (unc-119 lipid binding chaperone; minus strand). Cytogenetic location: 17q11.2.
Variant type: single nucleotide variant.
Coding change: c.*72C>T on transcript NM_005148.4 (MANE Select); 72 bases downstream of the stop codon, C replaced by T.
Molecular consequence: 3 prime UTR variant.
Genome position (GRCh38, 1-based): chr17:28,547,225, G>A on the plus strand (C>T on the coding strand, the complement: UNC119 is on the minus strand). VCF-style: chr17-28547225-G-A. GRCh37 (hg19) VCF-style: chr17-26874243-G-A.
Other names: c.*72C>T (NM_001330166.2); c.*399C>T (NM_054035.2).
Identifiers: ClinVar variation 322459 (VCV000322459.5), dbSNP rs1802094, ClinGen allele CA10649793.

ClinVar aggregate classification (germline): Benign (1 of 4 stars; one submission).

Conditions:
Cone-rod dystrophy. Also called: Cone/cone-rod dystrophy; Cone-rod degeneration. Identifiers: Orphanet 1872, MedGen C4085590, MONDO:0015993, HP:0000548.

Allele frequency attached by ClinVar (database versions not stated): gnomAD exomes 0.00250; gnomAD 0.02680 and 0.02861; TOPMed 0.02988; 1000 Genomes Project 0.03395; 1000 Genomes Project 30x 0.03795.
gnomAD v4.1: 7,736 of 1,575,112 alleles (0.49%); highest among the groups gnomAD compares: African/African-American, 9.3%; 331 homozygotes.

Submission:

Illumina Laboratory Services, Illumina
Classification: Benign for Cone-rod dystrophy. Last evaluated: 2018-01-13. Review status: criteria provided, single submitter. Criteria: ICSL Variant Classification Criteria 13 December 2019. Collection method: clinical testing. Allele origin: germline.
Comment: This variant was observed in the ICSL laboratory as part of a predisposition screen in an ostensibly healthy population. It had not been previously curated by ICSL or reported in the Human Gene Mutation Database (HGMD: prior to June 1st, 2018), and was therefore a candidate for classification through an automated scoring system. Utilizing variant allele frequency, disease prevalence and penetrance estimates, and inheritance mode, an automated score was calculated to assess if this variant is too frequent to cause the disease. Based on the score and internal cut-off values, a variant classified as benign is not then subjected to further curation. The score for this variant resulted in a classification of benign for this disease.